The following is an entry in ClinVar:

NM_001376.5(DYNC1H1):c.7073G>A (p.Arg2358His)

Gene: DYNC1H1 (dynein cytoplasmic 1 heavy chain 1; plus strand). Cytogenetic location: 14q32.31.
Variant type: single nucleotide variant.
Coding change: c.7073G>A on transcript NM_001376.5 (MANE Select); coding-DNA position 7073, G replaced by A.
Protein change: p.Arg2358His; replaces arginine 2358 with histidine.
Molecular consequence: missense variant.
Genome position (GRCh38, 1-based): chr14:102,015,163, G>A. VCF-style: chr14-102015163-G-A. GRCh37 (hg19) VCF-style: chr14-102481500-G-A.
Other names: short protein forms R2358H.
Identifiers: ClinVar variation 4802059 (VCV004802059.1).
Genomic context (GRCh38, chr14:102,015,163, plus strand): 5'-AGGTGAGAATAATGTTTGAGGTACAGGACTTGAAATACGCGACCTTGGCCACAGTGTCGC[G>A]CTGCGGCATGGTCTGGTTCAGTGAGGATGTGCTGAGCACCGACATGATCTTCAACAACTT-3'
Protein context (NP_001367.2, residues 2348-2368): LKYATLATVS[Arg2358His]CGMVWFSEDV

ClinVar aggregate classification (germline): Uncertain significance (1 of 4 stars; one submission).

Conditions:
Charcot-Marie-Tooth disease axonal type 2O. Also called: CHARCOT-MARIE-TOOTH NEUROPATHY, AXONAL, TYPE 2O; CHARCOT-MARIE-TOOTH DISEASE, AXONAL, AUTOSOMAL DOMINANT, TYPE 2O; Charcot-Marie-Tooth Neuropathy Type 2O; Charcot-Marie-Tooth disease, axonal, type 20. Identifiers: Orphanet 284232, MedGen C3280220, MONDO:0013644, OMIM 614228.

Submission:

Labcorp Genetics (formerly Invitae), Labcorp
Classification: Uncertain significance for Charcot-Marie-Tooth disease axonal type 2O. Last evaluated: 2025-02-19. Review status: criteria provided, single submitter. Criteria: Invitae Variant Classification Sherloc (09022015). Collection method: clinical testing. Allele origin: germline.
Comment: This sequence change replaces arginine, which is basic and polar, with histidine, which is basic and polar, at codon 2358 of the DYNC1H1 protein (p.Arg2358His). This variant is not present in population databases (gnomAD no frequency). This variant has not been reported in the literature in individuals affected with DYNC1H1-related conditions. Invitae Evidence Modeling of protein sequence and biophysical properties (such as structural, functional, and spatial information, amino acid conservation, physicochemical variation, residue mobility, and thermodynamic stability) indicates that this missense variant is expected to disrupt DYNC1H1 protein function with a positive predictive value of 95%. In summary, the available evidence is currently insufficient to determine the role of this variant in disease. Therefore, it has been classified as a Variant of Uncertain Significance.